The following is an entry in ClinVar:

NM_001042492.3(NF1):c.5055G>A (p.Trp1685Ter)

Gene: NF1 (neurofibromin 1; plus strand). Cytogenetic location: 17q11.2.
Variant type: single nucleotide variant.
Coding change: c.5055G>A on transcript NM_001042492.3 (MANE Select); coding-DNA position 5055, G replaced by A.
Protein change: p.Trp1685Ter; replaces tryptophan 1685 with a stop codon.
Molecular consequence: nonsense.
Genome position (GRCh38, 1-based): chr17:31,326,039, G>A. VCF-style: chr17-31326039-G-A. GRCh37 (hg19) VCF-style: chr17-29653057-G-A.
Other names: c.4992G>A, p.Trp1664Ter (NM_000267.4); short protein forms W1664*, W1685*.
Identifiers: ClinVar variation 457738 (VCV000457738.13), dbSNP rs1555533354, ClinGen allele CA399007413.

ClinVar aggregate classification (germline): Pathogenic. Review status: criteria provided, multiple submitters, no conflicts (2 of 4 stars). 4 submissions from 4 submitters: Pathogenic (4). Last evaluated 2025-01-23.

Conditions:
Neurofibromatosis, type 1 (NF1). Also called: VON RECKLINGHAUSEN DISEASE; NEUROFIBROMATOSIS, TYPE I, SOMATIC; Peripheral type neurofibromatosis; Neurofibromatosis, type I. Identifiers: Orphanet 636, MedGen C0027831, MONDO:0018975, OMIM 162200. Disease mechanism: loss of function.

Submissions (4):

GeneDx
Classification: Pathogenic. Last evaluated: 2025-01-23. Review status: criteria provided, single submitter. Criteria: GeneDx Variant Classification Process June 2021. Collection method: clinical testing. Allele origin: germline. Affected: yes.
Comment: Nonsense variant predicted to result in protein truncation or nonsense mediated decay in a gene for which loss of function is a known mechanism of disease; Not observed at significant frequency in large population cohorts (gnomAD); This variant is associated with the following publications: (PMID: 32005694, 23913538, 18937943)

Genome-Nilou Lab
Classification: Pathogenic for Neurofibromatosis, type 1. Last evaluated: 2022-03-15. Review status: criteria provided, single submitter. Criteria: ACMG Guidelines, 2015. Collection method: clinical testing. Allele origin: germline. Affected: no.

Genome Diagnostics Laboratory, The Hospital for Sick Children
Classification: Pathogenic for Neurofibromatosis, type 1. Last evaluated: 2020-10-26. Review status: criteria provided, single submitter. Criteria: ACMG Guidelines, 2015. Collection method: clinical testing. Allele origin: germline. Affected: yes.

Labcorp Genetics (formerly Invitae), Labcorp
Classification: Pathogenic for Neurofibromatosis, type 1. Last evaluated: 2019-12-21. Review status: criteria provided, single submitter. Criteria: Invitae Variant Classification Sherloc (09022015). Collection method: clinical testing. Allele origin: germline.
Comment: For these reasons, this variant has been classified as Pathogenic. Loss-of-function variants in NF1 are known to be pathogenic (PMID: 10712197, 23913538). This variant has been observed in an individual affected with neurofibromatosis type 1 (PMID: 23913538). ClinVar contains an entry for this variant (Variation ID: 457738). This variant is not present in population databases (ExAC no frequency). This sequence change creates a premature translational stop signal (p.Trp1664*) in the NF1 gene. It is expected to result in an absent or disrupted protein product.

Literature cited by the submitters: PubMed 10712197 (cited by Labcorp Genetics (formerly Invitae), Labcorp); PubMed 23913538 (cited by Labcorp Genetics (formerly Invitae), Labcorp).